The following is an entry in ClinVar:

ClinVar aggregate classification (germline): Conflicting classifications of pathogenicity. Review status: criteria provided, conflicting classifications (1 of 4 stars). 2 submissions from 2 submitters: Likely pathogenic (1); Uncertain significance (1). Last evaluated 2026-01-15.

Conditions:
Hypertrophic cardiomyopathy 20. Identifiers: MedGen C3151267, MONDO:0013477, OMIM 613876.
Dilated cardiomyopathy 1CC (CMD1CC). Identifiers: Orphanet 154, MedGen C2751084, MONDO:0013147, OMIM 613122.

Allele frequency attached by ClinVar (database versions not stated): TOPMed 0.00001.

Submissions (2):

Labcorp Genetics (formerly Invitae), Labcorp
Classification: Likely pathogenic for Dilated cardiomyopathy 1CC; Hypertrophic cardiomyopathy 20. Last evaluated: 2026-01-15. Review status: criteria provided, single submitter. Criteria: Invitae Variant Classification Sherloc (09022015). Collection method: clinical testing. Allele origin: germline.
Comment: This sequence change affects an acceptor splice site in intron 10 of the NEXN gene. It is expected to disrupt RNA splicing. Variants that disrupt the donor or acceptor splice site typically lead to a loss of protein function (PMID: 16199547), and loss-of-function variants in NEXN are known to be pathogenic (PMID: 19881492, 32058062, 32814711, 32870709, 33949776, 38059363, 40680702). This variant is not present in population databases (gnomAD no frequency). Disruption of this splice site has been observed in individual(s) with clinical features of NEXN-related conditions (PMID: 33057194). ClinVar contains an entry for this variant (Variation ID: 1684947). Algorithms developed to predict the effect of sequence changes on RNA splicing suggest that this variant may disrupt the consensus splice site. In summary, the currently available evidence indicates that the variant is pathogenic, but additional data are needed to prove that conclusively. Therefore, this variant has been classified as Likely Pathogenic.

Mendelics
Classification: Uncertain significance. Last evaluated: 2022-05-04. Review status: criteria provided, single submitter. Criteria: Mendelics Assertion Criteria 2019. Collection method: clinical testing. Allele origin: germline.

Literature cited by the submitters: PubMed 16199547 (cited by Labcorp Genetics (formerly Invitae), Labcorp); PubMed 19881492 (cited by Labcorp Genetics (formerly Invitae), Labcorp); PubMed 32058062 (cited by Labcorp Genetics (formerly Invitae), Labcorp); PubMed 32814711 (cited by Labcorp Genetics (formerly Invitae), Labcorp); PubMed 32870709 (cited by Labcorp Genetics (formerly Invitae), Labcorp); PubMed 33949776 (cited by Labcorp Genetics (formerly Invitae), Labcorp); PubMed 38059363 (cited by Labcorp Genetics (formerly Invitae), Labcorp); PubMed 40680702 (cited by Labcorp Genetics (formerly Invitae), Labcorp); PubMed 33057194 (cited by Labcorp Genetics (formerly Invitae), Labcorp).

NM_144573.4(NEXN):c.1252-1G>A

Gene: NEXN (nexilin F-actin binding protein; plus strand). Cytogenetic location: 1p31.1.
Variant type: single nucleotide variant.
Coding change: c.1252-1G>A on transcript NM_144573.4 (MANE Select); the canonical splice acceptor site of the intron before coding-DNA position 1252, G replaced by A.
Molecular consequence: splice acceptor variant.
Genome position (GRCh38, 1-based): chr1:77,935,822, G>A. VCF-style: chr1-77935822-G-A. GRCh37 (hg19) VCF-style: chr1-78401507-G-A.
Other names: c.1060-1G>A (NM_001172309.2).
Identifiers: ClinVar variation 1684947 (VCV001684947.5), dbSNP rs1650708891, ClinGen allele CA340877997.